The following is an entry in ClinVar:

NM_001384910.1(GUCA1A):c.574G>T (p.Gly192Trp)

Genes: GUCA1A (guanylate cyclase activator 1A; plus strand), GUCA1ANB-GUCA1A (GUCA1ANB-GUCA1A readthrough; plus strand). Cytogenetic location: 6p21.1.
Variant type: single nucleotide variant.
Coding change: c.574G>T on transcript NM_001384910.1 (MANE Select); coding-DNA position 574, G replaced by T.
Protein change: p.Gly192Trp; replaces glycine 192 with tryptophan.
Molecular consequence: missense variant.
Genome position (GRCh38, 1-based): chr6:42,179,371, G>T. VCF-style: chr6-42179371-G-T. GRCh37 (hg19) VCF-style: chr6-42147109-G-T.
Other names: c.574G>T, p.Gly192Trp (NM_000409.5, NM_001319061.2, NM_001319062.2); short protein forms G192W.
Identifiers: ClinVar variation 4732412 (VCV004732412.1).

ClinVar aggregate classification (germline): Uncertain significance (1 of 4 stars; one submission).

Submission:

Labcorp Genetics (formerly Invitae), Labcorp
Classification: Uncertain significance. Last evaluated: 2025-12-09. Review status: criteria provided, single submitter. Criteria: Invitae Variant Classification Sherloc (09022015). Collection method: clinical testing. Allele origin: germline.
Comment: This sequence change replaces glycine, which is neutral and non-polar, with tryptophan, which is neutral and slightly polar, at codon 192 of the GUCA1A protein (p.Gly192Trp). This variant is not present in population databases (gnomAD no frequency). This variant has not been reported in the literature in individuals affected with GUCA1A-related conditions. Experimental studies and prediction algorithms are not available or were not evaluated, and the functional significance of this variant is currently unknown. In summary, the available evidence is currently insufficient to determine the role of this variant in disease. Therefore, it has been classified as a Variant of Uncertain Significance.